The following is an entry in ClinVar:

NM_000090.4(COL3A1):c.2967T>G (p.Ser989Arg)

Gene: COL3A1 (collagen type III alpha 1 chain; plus strand). Cytogenetic location: 2q32.2.
Variant type: single nucleotide variant.
Coding change: c.2967T>G on transcript NM_000090.4 (MANE Select); coding-DNA position 2967, T replaced by G.
Protein change: p.Ser989Arg; replaces serine 989 with arginine.
Molecular consequence: missense variant.
Genome position (GRCh38, 1-based): chr2:189,005,385, T>G. VCF-style: chr2-189005385-T-G. GRCh37 (hg19) VCF-style: chr2-189870111-T-G.
Other names: short protein forms S989R.
Identifiers: ClinVar variation 3071317 (VCV003071317.1), dbSNP rs1576471271, ClinGen allele CA349844744.

ClinVar aggregate classification (germline): Uncertain significance (1 of 4 stars; one submission).

Conditions:
Ehlers-Danlos syndrome, type 4 (EDSVASC). Also called: Ehlers-Danlos Syndrome Type IV; Ehlers-Danlos syndrome vascular type; Ehlers Danlos syndrome, ecchymotic type; Ehlers Danlos syndrome, arterial type; Ehlers Danlos syndrome, Sack-Barabas type. Identifiers: Orphanet 286, MedGen C0268338, MONDO:0017314, OMIM 130050.

Allele frequency attached by ClinVar (database versions not stated): gnomAD exomes below 0.00001.
gnomAD v4.1: 1 of 1,614,120 alleles (0.000062%); highest among the groups gnomAD compares: South Asian, 0.0011%; no homozygotes.

Submission:

All of Us Research Program, National Institutes of Health
Classification: Uncertain significance for Ehlers-Danlos syndrome, type 4. Last evaluated: 2023-05-30. Review status: criteria provided, single submitter. Criteria: ACMG Guidelines, 2015. Collection method: clinical testing. Allele origin: germline. Inheritance: Autosomal dominant inheritance. Observed: 1 variant allele, 1 heterozygote.
Comment: This missense variant replaces serine with arginine at codon 989 of the COL3A1 protein. Computational prediction suggests that this variant may not impact protein structure and function (internally defined REVEL score threshold <= 0.5, PMID: 27666373). To our knowledge, functional studies have not been reported for this variant. This variant has not been reported in individuals affected with COL3A1-related disorders in the literature. This variant has not been identified in the general population by the Genome Aggregation Database (gnomAD). The available evidence is insufficient to determine the role of this variant in disease conclusively. Therefore, this variant is classified as a Variant of Uncertain Significance.

This study involves interpretation of variants in research participants for the purpose of population health screening. Participant phenotype was not available at the time of variant classification. Additional details can be found in publication PMID: 35346344, PMCID: PMC8962531